The following is an entry in ClinVar:

ClinVar aggregate classification (germline): Uncertain significance (1 of 4 stars; one submission).

Conditions:
Gorlin syndrome. Also called: Nevoid Basal Cell Carcinoma Syndrome; Basal cell nevus syndrome. Identifiers: Orphanet 377, MedGen C0004779, MONDO:0007187.

Submission:

Labcorp Genetics (formerly Invitae), Labcorp
Classification: Uncertain significance for Gorlin syndrome. Last evaluated: 2022-07-06. Review status: criteria provided, single submitter. Criteria: Invitae Variant Classification Sherloc (09022015). Collection method: clinical testing. Allele origin: germline.
Comment: In summary, the available evidence is currently insufficient to determine the role of this variant in disease. Therefore, it has been classified as a Variant of Uncertain Significance. Advanced modeling of protein sequence and biophysical properties (such as structural, functional, and spatial information, amino acid conservation, physicochemical variation, residue mobility, and thermodynamic stability) performed at Invitae indicates that this missense variant is not expected to disrupt PTCH1 protein function. This variant has not been reported in the literature in individuals affected with PTCH1-related conditions. This variant is not present in population databases (gnomAD no frequency). This sequence change replaces lysine, which is basic and polar, with glutamine, which is neutral and polar, at codon 96 of the PTCH1 protein (p.Lys96Gln).

NM_000264.5(PTCH1):c.286A>C (p.Lys96Gln)

Gene: PTCH1 (patched 1; minus strand). Cytogenetic location: 9q22.32.
Variant type: single nucleotide variant.
Coding change: c.286A>C on transcript NM_000264.5 (MANE Select); coding-DNA position 286, A replaced by C.
Protein change: p.Lys96Gln; replaces lysine 96 with glutamine.
Molecular consequence: missense variant. On other transcripts: 5 prime UTR variant (4), non-coding transcript variant (1).
Genome position (GRCh38, 1-based): chr9:95,506,515, T>G on the plus strand (A>C on the coding strand, the complement: PTCH1 is on the minus strand). VCF-style: chr9-95506515-T-G. GRCh37 (hg19) VCF-style: chr9-98268797-T-G.
Other names: c.88A>C, p.Lys30Gln (NM_001083602.3, NM_001354919.2); c.283A>C, p.Lys95Gln (NM_001083603.3); c.-168A>C (NM_001083604.3, NM_001083605.3, NM_001083606.3 and 1 more transcripts); c.286A>C, p.Lys96Gln (NM_001354918.2); short protein forms K95Q, K30Q, K96Q.
Identifiers: ClinVar variation 2014512 (VCV002014512.4), dbSNP rs532713234, ClinGen allele CA374120355.